The following is an entry in ClinVar:

ClinVar aggregate classification (germline): Uncertain significance. Review status: criteria provided, multiple submitters, no conflicts (2 of 4 stars). 9 submissions from 6 submitters: Uncertain significance (8). 1 of the submissions does not count toward it. Last evaluated 2025-12-06.

Conditions:
Congenital myopathy 18. Also called: DIHYDROPYRIDINE RECEPTOR CONGENITAL MYOPATHY; DHPR CONGENITAL MYOPATHY; Myopathy, congenital, due to dihydropyridine receptor defect. Identifiers: MedGen C5830283, MONDO:0859514, OMIM 620246.
CACNA1S-related disorder. Also called: CACNA1S-related condition.
Malignant hyperthermia, susceptibility to, 5 (MHS5). Also called: CACNA1S-Related Malignant Hyperthermia Susceptibility. Identifiers: Orphanet 423, MedGen C1866077, MONDO:0011163, OMIM 601887.
Hypokalemic periodic paralysis, type 1. Also called: HypoPP; Hypokalemic Periodic Paralysis Type 1 (AD). Identifiers: Orphanet 681, MedGen C3714580, MONDO:0042979, OMIM 170400.
Thyrotoxic periodic paralysis, susceptibility to, 1 (TTPP1). Identifiers: Orphanet 79102, MedGen C2749982, MONDO:0008570, OMIM 188580.

Allele frequency attached by ClinVar (database versions not stated): gnomAD exomes 0.00001; gnomAD 0.00002; TOPMed 0.00002; ExAC 0.00003; ESP Exome Variant Server 0.00008.
gnomAD v4.1: 71 of 1,613,934 alleles (0.0044%); highest among the groups gnomAD compares: Non-Finnish European, 0.0054%; no homozygotes.

Submissions (9):

Labcorp Genetics (formerly Invitae), Labcorp
Classification: Uncertain significance for Hypokalemic periodic paralysis, type 1; Malignant hyperthermia, susceptibility to, 5. Last evaluated: 2025-12-06. Review status: criteria provided, single submitter. Criteria: Invitae Variant Classification Sherloc (09022015). Collection method: clinical testing. Allele origin: germline.
Comment: This sequence change replaces glutamic acid, which is acidic and polar, with lysine, which is basic and polar, at codon 666 of the CACNA1S protein (p.Glu666Lys). This variant is present in population databases (rs377082783, gnomAD 0.004%). This variant has not been reported in the literature in individuals affected with CACNA1S-related conditions. ClinVar contains an entry for this variant (Variation ID: 473971). Invitae Evidence Modeling of protein sequence and biophysical properties (such as structural, functional, and spatial information, amino acid conservation, physicochemical variation, residue mobility, and thermodynamic stability) indicates that this missense variant is not expected to disrupt CACNA1S protein function with a negative predictive value of 95%. In summary, the available evidence is currently insufficient to determine the role of this variant in disease. Therefore, it has been classified as a Variant of Uncertain Significance.

Fulgent Genetics
Classification: Uncertain significance for Hypokalemic periodic paralysis, type 1; Thyrotoxic periodic paralysis, susceptibility to, 1; Malignant hyperthermia, susceptibility to, 5; Congenital myopathy 18. Last evaluated: 2024-02-05. Review status: criteria provided, single submitter. Criteria: ACMG Guidelines, 2015. Collection method: clinical testing. Allele origin: germline.

Color Diagnostics, LLC DBA Color Health
Classification: Uncertain significance for Malignant hyperthermia, susceptibility to, 5. Last evaluated: 2024-01-29. Review status: criteria provided, single submitter. Criteria: ACMG Guidelines, 2015. Collection method: clinical testing. Allele origin: germline.
Comment: This missense variant replaces glutamic acid with lysine at codon 666 of the CACNA1S protein. Computational prediction is inconclusive regarding the impact of this variant on protein structure and function. To our knowledge, functional studies have not been reported for this variant. This variant has not been reported in individuals affected with CACNA1S-related disorders in the literature. This variant has been identified in 3/251170 chromosomes in the general population by the Genome Aggregation Database (gnomAD). The available evidence is insufficient to determine the role of this variant in disease conclusively. Therefore, this variant is classified as a Variant of Uncertain Significance.

Genome-Nilou Lab
Classification: Uncertain significance for Malignant hyperthermia, susceptibility to, 5. Last evaluated: 2023-04-11. Review status: criteria provided, single submitter. Criteria: ACMG Guidelines, 2015. Collection method: clinical testing. Allele origin: germline. Affected: no.

Genome-Nilou Lab
Classification: Uncertain significance for Thyrotoxic periodic paralysis, susceptibility to, 1. Last evaluated: 2023-04-11. Review status: criteria provided, single submitter. Criteria: ACMG Guidelines, 2015. Collection method: clinical testing. Allele origin: germline. Affected: no.

Genome-Nilou Lab
Classification: Uncertain significance for Congenital myopathy 18. Last evaluated: 2023-04-11. Review status: criteria provided, single submitter. Criteria: ACMG Guidelines, 2015. Collection method: clinical testing. Allele origin: germline. Affected: no.

Genome-Nilou Lab
Classification: Uncertain significance for Hypokalemic periodic paralysis, type 1. Last evaluated: 2023-04-11. Review status: criteria provided, single submitter. Criteria: ACMG Guidelines, 2015. Collection method: clinical testing. Allele origin: germline. Affected: no.

Baylor Genetics
Classification: Uncertain significance for Hypokalemic periodic paralysis, type 1. Last evaluated: 2018-03-02. Review status: criteria provided, single submitter. Criteria: ACMG Guidelines, 2015. Collection method: clinical testing. Allele origin: paternal. Affected: yes.
Comment: This variant was determined to be of uncertain significance according to ACMG Guidelines, 2015 [PMID:25741868].

PreventionGenetics, part of Exact Sciences
Classification: Uncertain significance for CACNA1S-related condition. Last evaluated: 2024-03-23. Review status: no assertion criteria provided. Collection method: clinical testing. Allele origin: germline. Not counted in ClinVar's aggregate classification.
Comment: The CACNA1S c.1996G>A variant is predicted to result in the amino acid substitution p.Glu666Lys. To our knowledge, this variant has not been reported in the literature. This variant is reported in 0.0026% of alleles in individuals of European (Non-Finnish) descent in gnomAD. At this time, the clinical significance of this variant is uncertain due to the absence of conclusive functional and genetic evidence.

NM_000069.3(CACNA1S):c.1996G>A (p.Glu666Lys)

Gene: CACNA1S (calcium voltage-gated channel subunit alpha1 S; minus strand). Cytogenetic location: 1q32.1.
Variant type: single nucleotide variant.
Coding change: c.1996G>A on transcript NM_000069.3 (MANE Select); coding-DNA position 1996, G replaced by A.
Protein change: p.Glu666Lys; replaces glutamic acid 666 with lysine.
Molecular consequence: missense variant.
Genome position (GRCh38, 1-based): chr1:201,074,573, C>T on the plus strand (G>A on the coding strand, the complement: CACNA1S is on the minus strand). VCF-style: chr1-201074573-C-T. GRCh37 (hg19) VCF-style: chr1-201043701-C-T.
Other names: short protein forms E666K.
Identifiers: ClinVar variation 473971 (VCV000473971.13), dbSNP rs377082783, ClinGen allele CA078739.